The following is an entry in ClinVar:

NM_020975.6(RET):c.2712_2715delinsGTAT (p.Ser904_Tyr905=)

Gene: RET (ret proto-oncogene; plus strand). Cytogenetic location: 10q11.21.
Variant type: Indel.
Coding change: c.2712_2715delinsGTAT on transcript NM_020975.6 (MANE Select); coding-DNA positions 2712 to 2715, CTAC replaced by GTAT.
Protein change: p.Ser904_Tyr905=.
Molecular consequence: synonymous variant.
Genome position (GRCh38, 1-based): chr10:43,120,185-43,120,188, CTAC replaced by GTAT. VCF-style: chr10-43120185-CTAC-GTAT. GRCh37 (hg19) VCF-style: chr10-43615633-CTAC-GTAT.
Other names: c.1950_1953delinsGTAT, p.Ser650_Tyr651= (NM_001355216.2); c.2712_2715delinsGTAT, p.Ser904_Tyr905= (NM_001406743.1, NM_001406744.1, NM_001406759.1 and 2 more transcripts); c.2583_2586delinsGTAT, p.Ser861_Tyr862= (NM_001406761.1, NM_001406762.1, NM_001406764.1); c.2577_2580delinsGTAT, p.Ser859_Tyr860= (NM_001406763.1, NM_001406765.1); c.2424_2427delinsGTAT, p.Ser808_Tyr809= (NM_001406766.1, NM_001406767.1, NM_001406770.1); c.2448_2451delinsGTAT, p.Ser816_Tyr817= (NM_001406768.1); c.2316_2319delinsGTAT, p.Ser772_Tyr773= (NM_001406769.1, NM_001406772.1); c.2274_2277delinsGTAT, p.Ser758_Tyr759= (NM_001406771.1, NM_001406773.1); and 10 more.
Identifiers: ClinVar variation 3904539 (VCV003904539.1).

ClinVar aggregate classification (germline): Benign (1 of 4 stars; one submission).

Conditions:
Multiple endocrine neoplasia type 2A. Also called: Multiple Endocrine Neoplasia Type 2A (MEN2A); MULTIPLE ENDOCRINE NEOPLASIA, TYPE IIA; PTC SYNDROME; SIPPLE SYNDROME; MEN 2A; MEN-2A syndrome. Identifiers: Orphanet 247698, Orphanet 653, MedGen C0025268, MeSH D018813, MONDO:0008234, OMIM 171400.

Submission:

Myriad Genetics, Inc.
Classification: Benign for Multiple endocrine neoplasia type 2A. Last evaluated: 2025-02-27. Review status: criteria provided, single submitter. Criteria: Myriad Autosomal Dominant, Autosomal Recessive and X-Linked Classification Criteria (2023). Collection method: clinical testing. Allele origin: unknown.
Comment: This variant is considered benign. This variant is a silent/synonymous amino acid change and it is not expected to impact splicing.